The following is an entry in ClinVar:

ClinVar aggregate classification (germline): Uncertain significance (1 of 4 stars; one submission).

Conditions:
Immunodeficiency 39 (IMD39). Identifiers: Orphanet 574918, MedGen C4225358, MONDO:0014597, OMIM 616345.

Submission:

Labcorp Genetics (formerly Invitae), Labcorp
Classification: Uncertain significance for Immunodeficiency 39. Last evaluated: 2022-08-27. Review status: criteria provided, single submitter. Criteria: Invitae Variant Classification Sherloc (09022015). Collection method: clinical testing. Allele origin: germline.
Comment: In summary, the available evidence is currently insufficient to determine the role of this variant in disease. Therefore, it has been classified as a Variant of Uncertain Significance. This variant has not been reported in the literature in individuals affected with IRF7-related conditions. This variant is present in population databases (rs772699762, gnomAD 0.02%). This sequence change disrupts the translational stop signal of the IRF7 mRNA. It is expected to extend the length of the IRF7 protein by 0 additional amino acid residues.

NM_001572.5(IRF7):c.1507_*40del (p.Ala503fs)

Gene: IRF7 (interferon regulatory factor 7; minus strand). Cytogenetic location: 11p15.5.
Variant type: Deletion.
Coding change: c.1507_*40del on transcript NM_001572.5 (MANE Select); coding-DNA position 1507 through 40 bases downstream of the stop codon, 46 bases deleted.
Protein change: p.Ala503fs; shifts the reading frame from alanine 503.
Molecular consequence: frameshift variant.
Genome position (GRCh38, 1-based): chr11:612,605-612,650, 46 bases deleted; deleting any 46 consecutive bases within chr11:612,605-612,664 gives the same sequence; the c. name uses the placement nearest the transcript's 3' end. GRCh37 (hg19): chr11:612,619-612,664.
Other names: c.1420_*40del, p.Ala474fs (NM_004029.4); c.1546_*40del, p.Ala516fs (NM_004031.4); short protein forms A503fs, A516fs, A474fs.
Identifiers: ClinVar variation 2163470 (VCV002163470.4), dbSNP rs772699762, ClinGen allele CA5783411.